The following is an entry in ClinVar:

NM_000466.3(PEX1):c.2479C>T (p.Arg827Ter)

Gene: PEX1 (peroxisomal biogenesis factor 1; minus strand). Cytogenetic location: 7q21.2.
Variant type: single nucleotide variant.
Coding change: c.2479C>T on transcript NM_000466.3 (MANE Select); coding-DNA position 2479, C replaced by T.
Protein change: p.Arg827Ter; replaces arginine 827 with a stop codon.
Molecular consequence: nonsense.
Genome position (GRCh38, 1-based): chr7:92,501,611, G>A on the plus strand (C>T on the coding strand, the complement: PEX1 is on the minus strand). VCF-style: chr7-92501611-G-A. GRCh37 (hg19) VCF-style: chr7-92130925-G-A.
Other names: c.2308C>T, p.Arg770Ter (NM_001282677.2); c.1855C>T, p.Arg619Ter (NM_001282678.2); short protein forms R619*, R770*, R827*.
Identifiers: ClinVar variation 937534 (VCV000937534.17), dbSNP rs1232449804, ClinGen allele CA368175932.

ClinVar aggregate classification (germline): Pathogenic. Review status: criteria provided, multiple submitters, no conflicts (2 of 4 stars). 4 submissions from 4 submitters: Pathogenic (3). 1 of the submissions does not count toward it. Last evaluated 2025-06-22.

Conditions:
PEX1-related disorder. Also called: PEX1-related condition.
Heimler syndrome 1 (HMLR1). Also called: PEROXISOME BIOGENESIS DISORDER 1C. Identifiers: Orphanet 3220, MedGen C4551980, OMIM 234580, MONDO:0024544.
Zellweger spectrum disorders (ZS). Also called: Zellweger Spectrum Disorder (ZSD); Zellweger syndrome; Zellweger Spectrum Disorder; Zellweger Spectrum. Identifiers: Orphanet 912, MedGen C0043459, MONDO:0019609.

Allele frequency attached by ClinVar (database versions not stated): TOPMed 0.00001.
gnomAD v4.1: 8 of 1,613,664 alleles (0.0005%); highest among the groups gnomAD compares: Non-Finnish European, 0.00068%; no homozygotes.

Submissions (4):

Natera, Inc.
Classification: Pathogenic for Zellweger syndrome. Last evaluated: 2025-06-22. Review status: criteria provided, single submitter. Criteria: Natera Variant Classification Schema (03/2026). Collection method: clinical testing. Allele origin: germline.
Comment: The c.2479C>T variant in PEX1 is a nonsense variant predicted to introduce a stop codon at amino acid 827. This variant is expected to result in nonsense mediated decay, truncation, or a dysfunctional protein product. This variant is rare in the general population with a frequency below the threshold expected for the associated phenotype(s). This variant has been observed in one or more individuals affected with the associated recessive disease, as either homozygous or compound heterozygous with a second variant (PMID: 28857144). Given the available evidence, this variant is classified as Pathogenic.

Baylor Genetics
Classification: Pathogenic for Heimler syndrome 1. Last evaluated: 2024-01-16. Review status: criteria provided, single submitter. Criteria: ACMG Guidelines, 2015. Collection method: clinical testing. Allele origin: unknown.

Labcorp Genetics (formerly Invitae), Labcorp
Classification: Pathogenic for Zellweger spectrum disorders. Last evaluated: 2023-03-09. Review status: criteria provided, single submitter. Criteria: Invitae Variant Classification Sherloc (09022015). Collection method: clinical testing. Allele origin: germline.
Comment: This premature translational stop signal has been observed in individual(s) with Zellweger spectrum disorder (PMID: 28857144). For these reasons, this variant has been classified as Pathogenic. ClinVar contains an entry for this variant (Variation ID: 937534). This variant is present in population databases (no rsID available, gnomAD 0.002%). This sequence change creates a premature translational stop signal (p.Arg827*) in the PEX1 gene. It is expected to result in an absent or disrupted protein product. Loss-of-function variants in PEX1 are known to be pathogenic (PMID: 9398847, 16086329, 16141001, 21031596, 26387595, 31831025).

PreventionGenetics, part of Exact Sciences
Classification: Pathogenic for PEX1-related condition. Last evaluated: 2023-12-15. Review status: no assertion criteria provided. Collection method: clinical testing. Allele origin: germline. Not counted in ClinVar's aggregate classification.
Comment: The PEX1 c.2479C>T variant is predicted to result in premature protein termination (p.Arg827*). This variant along with a second variant in this gene has been reported in an individual with Zellweger spectrum disorder (Klouwer et al 2018. PubMed ID: 28857144). This variant is reported in 0.0018% of alleles in individuals of European (Non-Finnish) descent in gnomAD. Nonsense variants in PEX1 are expected to be pathogenic. This variant is interpreted as pathogenic.

Literature cited by the submitters: PubMed 28857144 (cited by Natera, Inc. and Labcorp Genetics (formerly Invitae), Labcorp); PubMed 9398847 (cited by Labcorp Genetics (formerly Invitae), Labcorp); PubMed 16086329 (cited by Labcorp Genetics (formerly Invitae), Labcorp); PubMed 16141001 (cited by Labcorp Genetics (formerly Invitae), Labcorp); PubMed 21031596 (cited by Labcorp Genetics (formerly Invitae), Labcorp); PubMed 26387595 (cited by Labcorp Genetics (formerly Invitae), Labcorp); PubMed 31831025 (cited by Labcorp Genetics (formerly Invitae), Labcorp).